The following is an entry in ClinVar:

NM_005902.4(SMAD3):c.110G>T (p.Ser37Ile)

Gene: SMAD3 (SMAD family member 3; plus strand). Cytogenetic location: 15q22.33.
Variant type: single nucleotide variant.
Coding change: c.110G>T on transcript NM_005902.4 (MANE Select); coding-DNA position 110, G replaced by T.
Protein change: p.Ser37Ile; replaces serine 37 with isoleucine.
Molecular consequence: missense variant.
Genome position (GRCh38, 1-based): chr15:67,066,264, G>T. VCF-style: chr15-67066264-G-T. GRCh37 (hg19) VCF-style: chr15-67358602-G-T.
Other names: short protein forms S37I.
Identifiers: ClinVar variation 543897 (VCV000543897.10), dbSNP rs1555405107, ClinGen allele CA393202913.

ClinVar aggregate classification (germline): Uncertain significance (1 of 4 stars; one submission).

Conditions:
Familial thoracic aortic aneurysm and aortic dissection (TAAD). Also called: Thoracic aortic aneurysms and dissections. Identifiers: Orphanet 91387, MedGen C4707243, MONDO:0019625.

Submission:

Labcorp Genetics (formerly Invitae), Labcorp
Classification: Uncertain significance for Familial thoracic aortic aneurysm and aortic dissection. Last evaluated: 2022-02-23. Review status: criteria provided, single submitter. Criteria: Invitae Variant Classification Sherloc (09022015). Collection method: clinical testing. Allele origin: germline.
Comment: In summary, the available evidence is currently insufficient to determine the role of this variant in disease. Therefore, it has been classified as a Variant of Uncertain Significance. Algorithms developed to predict the effect of missense changes on protein structure and function are either unavailable or do not agree on the potential impact of this missense change (SIFT: "Deleterious"; PolyPhen-2: "Possibly Damaging"; Align-GVGD: "Class C0"). ClinVar contains an entry for this variant (Variation ID: 543897). This variant has not been reported in the literature in individuals affected with SMAD3-related conditions. This variant is not present in population databases (gnomAD no frequency). This sequence change replaces serine, which is neutral and polar, with isoleucine, which is neutral and non-polar, at codon 37 of the SMAD3 protein (p.Ser37Ile).